The following is an entry in ClinVar:

NM_005188.4(CBL):c.70G>A (p.Gly24Ser)

Genes: CBL (Cbl proto-oncogene; plus strand), LOC130006895 (ATAC-STARR-seq lymphoblastoid silent region 3975; plus strand). Cytogenetic location: 11q23.3.
Variant type: single nucleotide variant.
Coding change: c.70G>A on transcript NM_005188.4 (MANE Select); coding-DNA position 70, G replaced by A.
Protein change: p.Gly24Ser; replaces glycine 24 with serine.
Molecular consequence: missense variant.
Genome position (GRCh38, 1-based): chr11:119,206,487, G>A. VCF-style: chr11-119206487-G-A. GRCh37 (hg19) VCF-style: chr11-119077197-G-A.
Other names: c.70G>A (NM_005188.2); short protein forms G24S.
Identifiers: ClinVar variation 3611680 (VCV003611680.2).

ClinVar aggregate classification (germline): Uncertain significance. Review status: criteria provided, multiple submitters, no conflicts (2 of 4 stars). 2 submissions from 2 submitters: Uncertain significance (2). Last evaluated 2025-07-11.

Conditions:
Cardiovascular phenotype. Identifiers: MedGen CN230736.
RASopathy. Also called: Noonan spectrum disorder; rasopathies. Identifiers: Orphanet 536391, MedGen C5555857, MONDO:0021060.

Submissions (2):

Ambry Genetics
Classification: Uncertain significance for Cardiovascular phenotype. Last evaluated: 2025-07-11. Review status: criteria provided, single submitter. Criteria: Ambry Variant Classification Scheme 2023. Collection method: clinical testing. Allele origin: germline.
Comment: The p.G24S variant (also known as c.70G>A), located in coding exon 1 of the CBL gene, results from a G to A substitution at nucleotide position 70. The glycine at codon 24 is replaced by serine, an amino acid with similar properties. This amino acid position is conserved. In addition, this alteration is predicted to be tolerated by in silico analysis. Based on the available evidence, the clinical significance of this variant remains unclear.

Labcorp Genetics (formerly Invitae), Labcorp
Classification: Uncertain significance for RASopathy. Last evaluated: 2025-01-23. Review status: criteria provided, single submitter. Criteria: Invitae Variant Classification Sherloc (09022015). Collection method: clinical testing. Allele origin: germline.
Comment: This sequence change replaces glycine, which is neutral and non-polar, with serine, which is neutral and polar, at codon 24 of the CBL protein (p.Gly24Ser). This variant is not present in population databases (gnomAD no frequency). This variant has not been reported in the literature in individuals affected with CBL-related conditions. Invitae Evidence Modeling of protein sequence and biophysical properties (such as structural, functional, and spatial information, amino acid conservation, physicochemical variation, residue mobility, and thermodynamic stability) indicates that this missense variant is not expected to disrupt CBL protein function with a negative predictive value of 95%. In summary, the available evidence is currently insufficient to determine the role of this variant in disease. Therefore, it has been classified as a Variant of Uncertain Significance.